The following is an entry in ClinVar:

ClinVar aggregate classification (germline): Likely benign. Review status: criteria provided, multiple submitters, no conflicts (2 of 4 stars). 4 submissions from 4 submitters: Likely benign (3). 1 of the submissions does not count toward it. Last evaluated 2025-12-14.

Conditions:
Usher syndrome type 1F (USH1F). Also called: USHER SYNDROME, TYPE IF. Identifiers: Orphanet 231169, Orphanet 886, MedGen C1865885, MONDO:0011186, OMIM 602083.
PCDH15-related disorder. Also called: PCDH15-related condition; PCDH15-related disorders.

Allele frequency attached by ClinVar (database versions not stated): TOPMed 0.00003; ExAC 0.00005; gnomAD 0.00005 and 0.00006.
gnomAD v4.1: 47 of 1,611,784 alleles (0.0029%); highest among the groups gnomAD compares: Non-Finnish European, 0.0037%; 1 homozygote.

Submissions (4):

Labcorp Genetics (formerly Invitae), Labcorp
Classification: Likely benign. Last evaluated: 2025-12-14. Review status: criteria provided, single submitter. Criteria: Invitae Variant Classification Sherloc (09022015). Collection method: clinical testing. Allele origin: germline.

Blueprint Genetics
Classification: Likely benign. Last evaluated: 2024-11-25. Review status: criteria provided, single submitter. Criteria: ACMG Guidelines, 2015. Collection method: clinical testing. Allele origin: germline.

PreventionGenetics, part of Exact Sciences
Classification: Likely benign for PCDH15-related condition. Last evaluated: 2024-10-13. Review status: criteria provided, single submitter. Criteria: ACMG Guidelines, 2015. Collection method: clinical testing. Allele origin: germline.
Comment: This variant is classified as likely benign based on ACMG/AMP sequence variant interpretation guidelines (Richards et al. 2015 PMID: 25741868, with internal and published modifications).

Natera, Inc.
Classification: Likely benign for Usher syndrome type 1F. Last evaluated: 2020-03-27. Review status: no assertion criteria provided. Collection method: clinical testing. Allele origin: germline. Not counted in ClinVar's aggregate classification.

NM_001384140.1(PCDH15):c.1912C>T (p.Leu638=)

Gene: PCDH15 (protocadherin related 15; minus strand). Cytogenetic location: 10q21.1.
Variant type: single nucleotide variant.
Coding change: c.1912C>T on transcript NM_001384140.1 (MANE Select); coding-DNA position 1912, C replaced by T.
Protein change: p.Leu638=; no amino-acid change (leucine 638 retained).
Molecular consequence: synonymous variant. On other transcripts: intron variant (1).
Genome position (GRCh38, 1-based): chr10:54,132,880, G>A on the plus strand (C>T on the coding strand, the complement: PCDH15 is on the minus strand). VCF-style: chr10-54132880-G-A. GRCh37 (hg19) VCF-style: chr10-55892640-G-A.
Other names: c.1927C>T, p.Leu643= (NM_001142763.2, NM_001142771.2); c.1912C>T, p.Leu638= (NM_001142764.2, NM_001142766.2, NM_001142770.3 and 5 more transcripts); c.1801C>T, p.Leu601= (NM_001142767.2); c.1846C>T, p.Leu616= (NM_001142768.2, NM_001142773.2, NM_001354404.2); c.1948C>T, p.Leu650= (NM_001142769.4); c.1933C>T, p.Leu645= (NM_001354411.2); c.1784+20220C>T (NM_001142765.2).
Identifiers: ClinVar variation 763317 (VCV000763317.13), dbSNP rs763230126, ClinGen allele CA5506233.